The following is an entry in ClinVar:

NM_001267550.2(TTN):c.52230C>T (p.Asp17410=)

Genes: TTN-AS1 (TTN antisense RNA 1; plus strand), TTN (titin; minus strand). Cytogenetic location: 2q31.2.
Variant type: single nucleotide variant.
Coding change: c.52230C>T on transcript NM_001267550.2 (MANE Select); coding-DNA position 52230, C replaced by T.
Protein change: p.Asp17410=; no amino-acid change (aspartic acid 17410 retained).
Molecular consequence: synonymous variant.
Genome position (GRCh38, 1-based): chr2:178,608,781, G>A on the plus strand (C>T on the coding strand, the complement: TTN is on the minus strand). VCF-style: chr2-178608781-G-A. GRCh37 (hg19) VCF-style: chr2-179473508-G-A.
Other names: c.44526C>T, p.Asp14842= (NM_133378.4); c.47307C>T, p.Asp15769= (NM_001256850.1); c.25035C>T, p.Asp8345= (NM_003319.4); c.25410C>T, p.Asp8470= (NM_133432.3); c.25611C>T, p.Asp8537= (NM_133437.4).
Identifiers: ClinVar variation 47061 (VCV000047061.5), dbSNP rs397517608, ClinGen allele CA139892.

ClinVar aggregate classification (germline): Likely benign (1 of 4 stars; one submission).

Submission:

Laboratory for Molecular Medicine, Mass General Brigham Personalized Medicine
Classification: Likely benign. Last evaluated: 2012-07-30. Review status: criteria provided, single submitter. Criteria: LMM Criteria. Collection method: clinical testing. Allele origin: germline. Observed: 1 variant allele.
Comment: Asp14842Asp in exon 223 of TTN: This variant is not expected to have clinical si gnificance because it does not alter an amino acid residue and is not located wi thin the splice consensus sequence. Asp14842Asp in exon 233 of TTN (allele fre quency= n/a)